The following is an entry in ClinVar:

NM_001943.5(DSG2):c.1888C>T (p.Leu630Phe)

Gene: DSG2 (desmoglein 2; plus strand). Cytogenetic location: 18q12.1.
Variant type: single nucleotide variant.
Coding change: c.1888C>T on transcript NM_001943.5 (MANE Select); coding-DNA position 1888, C replaced by T.
Protein change: p.Leu630Phe; replaces leucine 630 with phenylalanine.
Molecular consequence: missense variant.
Genome position (GRCh38, 1-based): chr18:31,541,201, C>T. VCF-style: chr18-31541201-C-T. GRCh37 (hg19) VCF-style: chr18-29121164-C-T.
Other names: short protein forms L630F.
Identifiers: ClinVar variation 925737 (VCV000925737.6), dbSNP rs1260711208, ClinGen allele CA402139068.

ClinVar aggregate classification (germline): Uncertain significance. Review status: criteria provided, multiple submitters, no conflicts (2 of 4 stars). 2 submissions from 2 submitters: Uncertain significance (2). Last evaluated 2025-12-26.

Conditions:
Cardiomyopathy (CMYO). Also called: Cardiomyopathies. Identifiers: Orphanet 167848, MedGen C0878544, MONDO:0004994, HP:0001638. Inheritance: Various modes of inheritance.
Arrhythmogenic right ventricular cardiomyopathy (ARVD). Also called: Arrhythmogenic cardiomyopathy; Cardiomyopathy, ARVC; Arrhythmogenic right ventricular dysplasia; Arrhythmogenic Right Ventricular Cardiomyopathy (ARVC). Identifiers: Orphanet 247, MedGen C0349788, MeSH D019571, MONDO:0016587. Disease mechanism: loss of function. Inheritance: Various modes of inheritance.

Allele frequency attached by ClinVar (database versions not stated): TOPMed below 0.00001.

Submissions (2):

Color Diagnostics, LLC DBA Color Health
Classification: Uncertain significance for Cardiomyopathy. Last evaluated: 2025-12-26. Review status: criteria provided, single submitter. Criteria: ACMG Guidelines, 2015. Collection method: clinical testing. Allele origin: germline.
Comment: This missense variant replaces leucine with phenylalanine at codon 630 of the DSG2 protein. Computational prediction suggests that this variant may not impact protein structure and function. Splice site prediction tools suggest that this variant may not impact RNA splicing. To our knowledge, functional studies have not been reported for this variant. This variant has not been reported in individuals affected with cardiovascular disorders in the literature. This variant has not been identified in the general population by the Genome Aggregation Database (gnomAD). The available evidence is insufficient to determine the role of this variant in disease conclusively. Therefore, this variant is classified as a Variant of Uncertain Significance.

All of Us Research Program, National Institutes of Health
Classification: Uncertain significance for Arrhythmogenic right ventricular cardiomyopathy. Last evaluated: 2024-04-25. Review status: criteria provided, single submitter. Criteria: ACMG Guidelines, 2015. Collection method: clinical testing. Allele origin: germline. Inheritance: Autosomal dominant inheritance. Observed: 1 variant allele, 1 heterozygote.
Comment: This missense variant replaces leucine with phenylalanine at codon 630 of the DSG2 protein. Computational prediction suggests that this variant may not impact protein structure and function (internally defined REVEL score threshold <= 0.5, PMID: 27666373). Splice site prediction tools suggest that this variant may not impact RNA splicing. To our knowledge, functional studies have not been reported for this variant. This variant has not been reported in individuals affected with cardiovascular disorders in the literature. This variant has not been identified in the general population by the Genome Aggregation Database (gnomAD). The available evidence is insufficient to determine the role of this variant in disease conclusively. Therefore, this variant is classified as a Variant of Uncertain Significance.

This study involves interpretation of variants in research participants for the purpose of population health screening. Participant phenotype was not available at the time of variant classification. Additional details can be found in publication PMID: 35346344, PMCID: PMC8962531